The following is an entry in ClinVar:

ClinVar aggregate classification (germline): Pathogenic (1 of 4 stars; one submission).
ClinVar aggregate classification (somatic clinical impact): Tier II - Potential (1 of 4 stars; one submission).

Conditions:
Pineoblastoma. Identifiers: Orphanet 251909, MedGen C0205898, MONDO:0016722, HP:0030408.

Submissions (2):

Institute for Genomic Medicine (IGM) Clinical Laboratory, Nationwide Children's Hospital
Classification: Tier II - Potential for Pineoblastoma. Assertion type: diagnostic. Clinical significance: supports diagnosis. Last evaluated: 2024-10-10. Review status: criteria provided, single submitter. Criteria: AMP/ASCO/CAP Guidelines, 2017. Collection method: clinical testing. Allele origin: somatic. Affected: yes.
Comment: Variant has Tier II (potential) clinical significance as a diagnostic inclusion criterion in pineoblastoma, based on the following evidence: 1) Documented in one or more cancer databases (e.g., St. Jude Pecan, COSMIC, CIViC, OncoKB). 2) Assists in diagnosis alone or along with other biomarkers based on small studies or few case reports (Evidence Level D; PMIDs: 21878896, 14508525, 24436047, 22142829, 28912153).

GeneDx
Classification: Pathogenic. Last evaluated: 2024-07-25. Review status: criteria provided, single submitter. Criteria: GeneDx Variant Classification Process June 2021. Collection method: clinical testing. Allele origin: germline. Affected: yes.
Comment: Identified in unrelated patients with clinical findings of cardio-facio-cutaneous syndrome in published literature (PMID: 17366577, 18042262); Not observed at significant frequency in large population cohorts (gnomAD); Missense variants in this gene are often considered pathogenic (HGMD); In silico analysis supports that this missense variant has a deleterious effect on protein structure/function; This variant is associated with the following publications: (PMID: 33057194, 35982159, 24803665, 18042262, 29493581, 31785789, 33767182, 17366577)

Literature cited by the submitters: PubMed 21878896 (cited by Institute for Genomic Medicine (IGM) Clinical Laboratory, Nationwide Children's Hospital); PubMed 14508525 (cited by Institute for Genomic Medicine (IGM) Clinical Laboratory, Nationwide Children's Hospital); PubMed 24436047 (cited by Institute for Genomic Medicine (IGM) Clinical Laboratory, Nationwide Children's Hospital); PubMed 22142829 (cited by Institute for Genomic Medicine (IGM) Clinical Laboratory, Nationwide Children's Hospital); PubMed 28912153 (cited by Institute for Genomic Medicine (IGM) Clinical Laboratory, Nationwide Children's Hospital).

NM_004333.6(BRAF):c.1738A>G (p.Asn580Asp)

Gene: BRAF (B-Raf proto-oncogene, serine/threonine kinase; minus strand). Cytogenetic location: 7q34.
Variant type: single nucleotide variant.
Coding change: c.1738A>G on transcript NM_004333.6 (MANE Select); coding-DNA position 1738, A replaced by G.
Protein change: p.Asn580Asp; replaces asparagine 580 with aspartic acid.
Molecular consequence: missense variant.
Genome position (GRCh38, 1-based): chr7:140,754,190, T>C on the plus strand (A>G on the coding strand, the complement: BRAF is on the minus strand). VCF-style: chr7-140754190-T-C. GRCh37 (hg19) VCF-style: chr7-140453990-T-C.
Other names: c.1738A>G, p.Asn580Asp (NM_001354609.2, NM_001378468.1, NM_001378474.1); c.1858A>G, p.Asn620Asp (NM_001374244.1, NM_001374258.1); c.1747A>G, p.Asn583Asp (NM_001378467.1); c.1672A>G, p.Asn558Asp (NM_001378469.1); c.1636A>G, p.Asn546Asp (NM_001378470.1); c.1627A>G, p.Asn543Asp (NM_001378471.1); c.1582A>G, p.Asn528Asp (NM_001378472.1, NM_001378473.1); c.1474A>G, p.Asn492Asp (NM_001378475.1); short protein forms N492D, N528D, N543D, N546D, N558D, N580D, N583D, N620D.
Identifiers: ClinVar variation 1317489 (VCV001317489.5), dbSNP rs2128999571, ClinGen allele CA369543810.
Genomic context (GRCh38, chr7:140,754,190, plus strand): 5'-GCAGAAGAAAAAGTCAGGATGTTTTCAAACTTCGCAGACAAATTTCAGGAAGGATACTAT[T>C]ACTCTTGAGGTCTCTGTGGATGATTGACTTGGCGTGTAAGTAACTGAAAAACAAAACATC-3'
Protein context (NP_004324.2, residues 570-590): KSIIHRDLKS[Asn580Asp]NIFLHEDLTV